The following is an entry in ClinVar:

ClinVar aggregate classification (germline): Uncertain significance (1 of 4 stars; one submission).

Conditions:
Tuberous sclerosis 2 (TSC2). Identifiers: Orphanet 805, MedGen C1860707, MONDO:0013199, OMIM 613254.

Submission:

Labcorp Genetics (formerly Invitae), Labcorp
Classification: Uncertain significance for Tuberous sclerosis 2. Last evaluated: 2025-06-29. Review status: criteria provided, single submitter. Criteria: Invitae Variant Classification Sherloc (09022015). Collection method: clinical testing. Allele origin: germline.
Comment: This sequence change replaces isoleucine, which is neutral and non-polar, with methionine, which is neutral and non-polar, at codon 1359 of the TSC2 protein (p.Ile1359Met). This variant is not present in population databases (gnomAD no frequency). This variant has not been reported in the literature in individuals affected with TSC2-related conditions. ClinVar contains an entry for this variant (Variation ID: 941992). Invitae Evidence Modeling of protein sequence and biophysical properties (such as structural, functional, and spatial information, amino acid conservation, physicochemical variation, residue mobility, and thermodynamic stability) indicates that this missense variant is not expected to disrupt TSC2 protein function with a negative predictive value of 95%. In summary, the available evidence is currently insufficient to determine the role of this variant in disease. Therefore, it has been classified as a Variant of Uncertain Significance.

NM_000548.5(TSC2):c.4077C>G (p.Ile1359Met)

Gene: TSC2 (TSC complex subunit 2; plus strand). Cytogenetic location: 16p13.3.
Variant type: single nucleotide variant.
Coding change: c.4077C>G on transcript NM_000548.5 (MANE Select); coding-DNA position 4077, C replaced by G.
Protein change: p.Ile1359Met; replaces isoleucine 1359 with methionine.
Molecular consequence: missense variant.
Genome position (GRCh38, 1-based): chr16:2,084,299, C>G. VCF-style: chr16-2084299-C-G. GRCh37 (hg19) VCF-style: chr16-2134300-C-G.
Other names: c.3876C>G, p.Ile1292Met (NM_001077183.3); c.4008C>G, p.Ile1336Met (NM_001114382.3); c.3768C>G, p.Ile1256Met (NM_001318827.2); c.3732C>G, p.Ile1244Met (NM_001318829.2); c.3345C>G, p.Ile1115Met (NM_001318831.2); c.3909C>G, p.Ile1303Met (NM_001318832.2); c.3879C>G, p.Ile1293Met (NM_001363528.2); c.3945C>G, p.Ile1315Met (NM_001370404.1); and 1 more; short protein forms I1244M, I1256M, I1292M, I1316M, I1293M, I1336M, I1359M, I1115M.
Identifiers: ClinVar variation 941992 (VCV000941992.9), dbSNP rs150999168, ClinGen allele CA394299423.